The following is an entry in ClinVar:

NM_003072.5(SMARCA4):c.3898G>A (p.Glu1300Lys)

Gene: SMARCA4 (SWI/SNF related BAF chromatin remodeling complex subunit ATPase 4; plus strand). Cytogenetic location: 19p13.2.
Variant type: single nucleotide variant.
Coding change: c.3898G>A on transcript NM_003072.5 (MANE Select); coding-DNA position 3898, G replaced by A.
Protein change: p.Glu1300Lys; replaces glutamic acid 1300 with lysine.
Molecular consequence: missense variant. On other transcripts: non-coding transcript variant (1).
Genome position (GRCh38, 1-based): chr19:11,034,147, G>A. VCF-style: chr19-11034147-G-A. GRCh37 (hg19) VCF-style: chr19-11144823-G-A.
Other names: c.3799G>A, p.Glu1267Lys (NM_001128847.4, NM_001128848.2, NM_001374457.1 and 2 more transcripts); c.3898G>A, p.Glu1300Lys (NM_001128849.3, NM_001387283.1, NM_001128844.3); short protein forms E1300K, E1267K.
Identifiers: ClinVar variation 484970 (VCV000484970.10), dbSNP rs1555785006, ClinGen allele CA404067833.

ClinVar aggregate classification (germline): Uncertain significance. Review status: criteria provided, multiple submitters, no conflicts (2 of 4 stars). 2 submissions from 2 submitters: Uncertain significance (2). Last evaluated 2022-06-13.

Conditions:
Hereditary cancer-predisposing syndrome. Also called: Neoplastic Syndromes, Hereditary; Tumor predisposition; Hereditary Cancer Syndrome; Hereditary neoplastic syndrome. Identifiers: Orphanet 140162, MedGen C0027672, MeSH D009386, MONDO:0015356.
Rhabdoid tumor predisposition syndrome 2 (RTPS2). Identifiers: Orphanet 231108, Orphanet 69077, MedGen C2750074, MONDO:0013224, OMIM 613325.

Submissions (2):

Labcorp Genetics (formerly Invitae), Labcorp
Classification: Uncertain significance for Rhabdoid tumor predisposition syndrome 2. Last evaluated: 2022-06-13. Review status: criteria provided, single submitter. Criteria: Invitae Variant Classification Sherloc (09022015). Collection method: clinical testing. Allele origin: germline.
Comment: ClinVar contains an entry for this variant (Variation ID: 484970). This variant has not been reported in the literature in individuals affected with SMARCA4-related conditions. This variant is not present in population databases (gnomAD no frequency). This sequence change replaces glutamic acid, which is acidic and polar, with lysine, which is basic and polar, at codon 1300 of the SMARCA4 protein (p.Glu1300Lys). Algorithms developed to predict the effect of missense changes on protein structure and function (SIFT, PolyPhen-2, Align-GVGD) all suggest that this variant is likely to be disruptive. In summary, the available evidence is currently insufficient to determine the role of this variant in disease. Therefore, it has been classified as a Variant of Uncertain Significance.

Ambry Genetics
Classification: Uncertain significance for Hereditary cancer-predisposing syndrome. Last evaluated: 2017-04-10. Review status: criteria provided, single submitter. Criteria: Ambry Variant Classification Scheme 2023. Collection method: clinical testing. Allele origin: germline.
Comment: The p.E1300K variant (also known as c.3898G>A), located in coding exon 27 of the SMARCA4 gene, results from a G to A substitution at nucleotide position 3898. The glutamic acid at codon 1300 is replaced by lysine, an amino acid with similar properties. This amino acid position is highly conserved in available vertebrate species. In addition, this alteration is predicted to be deleterious by in silico analysis. Since supporting evidence is limited at this time, the clinical significance of this alteration remains unclear.